The following is an entry in ClinVar:

NM_002734.5(PRKAR1A):c.280A>G (p.Arg94Gly)

Gene: PRKAR1A (protein kinase cAMP-dependent type I regulatory subunit alpha; plus strand). Cytogenetic location: 17q24.2.
Variant type: single nucleotide variant.
Coding change: c.280A>G on transcript NM_002734.5 (MANE Select); coding-DNA position 280, A replaced by G.
Protein change: p.Arg94Gly; replaces arginine 94 with glycine.
Molecular consequence: missense variant.
Genome position (GRCh38, 1-based): chr17:68,522,858, A>G. VCF-style: chr17-68522858-A-G. GRCh37 (hg19) VCF-style: chr17-66518999-A-G.
Other names: c.280A>G, p.Arg94Gly (NM_001276289.2, NM_001276290.1, NM_001278433.2 and 4 more transcripts); short protein forms R94G.
Identifiers: ClinVar variation 5027308 (VCV005027308.1).

ClinVar aggregate classification (germline): Uncertain significance (1 of 4 stars; one submission).

Conditions:
Hereditary cancer-predisposing syndrome. Also called: Neoplastic Syndromes, Hereditary; Tumor predisposition; Hereditary neoplastic syndrome; Hereditary Cancer Syndrome. Identifiers: Orphanet 140162, MedGen C0027672, MeSH D009386, MONDO:0015356.

Submission:

Ambry Genetics
Classification: Uncertain significance for Hereditary cancer-predisposing syndrome. Last evaluated: 2026-07-06. Review status: criteria provided, single submitter. Criteria: Ambry Variant Classification Scheme 2023. Collection method: clinical testing. Allele origin: germline.
Comment: The p.R94G variant (also known as c.280A>G), located in coding exon 2 of the PRKAR1A gene, results from an A to G substitution at nucleotide position 280. The arginine at codon 94 is replaced by glycine, an amino acid with dissimilar properties. This amino acid position is conserved. In addition, this alteration is predicted to be deleterious by in silico analysis. Based on the available evidence, the clinical significance of this variant remains unclear.